The following is an entry in ClinVar:

NM_015937.6(PIGT):c.899C>T (p.Pro300Leu)

Gene: PIGT (phosphatidylinositol glycan anchor biosynthesis class T; plus strand). Cytogenetic location: 20q13.12.
Variant type: single nucleotide variant.
Coding change: c.899C>T on transcript NM_015937.6 (MANE Select); coding-DNA position 899, C replaced by T.
Protein change: p.Pro300Leu; replaces proline 300 with leucine.
Molecular consequence: missense variant. On other transcripts: non-coding transcript variant (5).
Genome position (GRCh38, 1-based): chr20:45,420,559, C>T. VCF-style: chr20-45420559-C-T. GRCh37 (hg19) VCF-style: chr20-44049199-C-T.
Other names: c.731C>T, p.Pro244Leu (NM_001184728.3); c.899C>T, p.Pro300Leu (NM_001184729.3); c.593C>T, p.Pro198Leu (NM_001184730.3); short protein forms P198L, P244L, P300L.
Identifiers: ClinVar variation 4691194 (VCV004691194.1).

ClinVar aggregate classification (germline): Uncertain significance (1 of 4 stars; one submission).

Conditions:
Multiple congenital anomalies-hypotonia-seizures syndrome 3 (MCAHS3). Also called: GLYCOSYLPHOSPHATIDYLINOSITOL BIOSYNTHESIS DEFECT 7. Identifiers: Orphanet 369837, MedGen C3809356, MONDO:0014165, OMIM 615398.

gnomAD v4.1: 7 of 1,613,632 alleles (0.00043%); highest among the groups gnomAD compares: South Asian, 0.0033%; no homozygotes.

Submission:

Labcorp Genetics (formerly Invitae), Labcorp
Classification: Uncertain significance for Multiple congenital anomalies-hypotonia-seizures syndrome 3. Last evaluated: 2025-06-22. Review status: criteria provided, single submitter. Criteria: Invitae Variant Classification Sherloc (09022015). Collection method: clinical testing. Allele origin: germline.
Comment: This sequence change replaces proline, which is neutral and non-polar, with leucine, which is neutral and non-polar, at codon 300 of the PIGT protein (p.Pro300Leu). This variant is not present in population databases (gnomAD no frequency). This variant has not been reported in the literature in individuals affected with PIGT-related conditions. Invitae Evidence Modeling of protein sequence and biophysical properties (such as structural, functional, and spatial information, amino acid conservation, physicochemical variation, residue mobility, and thermodynamic stability) has been performed for this missense variant. However, the output from this modeling did not meet the statistical confidence thresholds required to predict the impact of this variant on PIGT protein function. In summary, the available evidence is currently insufficient to determine the role of this variant in disease. Therefore, it has been classified as a Variant of Uncertain Significance.